The following is an entry in ClinVar:

ClinVar aggregate classification (germline): Uncertain significance (1 of 4 stars; one submission).

Conditions:
Spermatogenic failure 18. Identifiers: MedGen C4539783, MONDO:0054615, OMIM 617576.
Ciliary dyskinesia, primary, 37 (CILD37). Also called: CILIARY DYSKINESIA, PRIMARY, 37, WITH OR WITHOUT SITUS INVERSUS. Identifiers: MedGen C4539798, MONDO:0033204, OMIM 617577.

Allele frequency attached by ClinVar (database versions not stated): ExAC 0.00002; gnomAD 0.00002 and 0.00003; gnomAD exomes 0.00002; TOPMed 0.00002.

Submission:

Labcorp Genetics (formerly Invitae), Labcorp
Classification: Uncertain significance for Ciliary dyskinesia, primary, 37; Spermatogenic failure 18. Last evaluated: 2017-07-27. Review status: criteria provided, single submitter. Criteria: Invitae Variant Classification Sherloc (09022015). Collection method: clinical testing. Allele origin: germline.
Comment: This sequence change replaces arginine with tryptophan at codon 654 of the DNAH1 protein (p.Arg654Trp). The arginine residue is highly conserved and there is a moderate physicochemical difference between arginine and tryptophan. This variant is present in population databases (rs755225053, ExAC 0.04%). This variant has not been reported in the literature in individuals with DNAH1-related disease. Algorithms developed to predict the effect of missense changes on protein structure and function do not agree on the potential impact of this missense change (SIFT: "Deleterious"; PolyPhen-2: "Benign"; Align-GVGD: "Class C0"). In summary, the available evidence is currently insufficient to determine the role of this variant in disease. Therefore, it has been classified as a Variant of Uncertain Significance.

NM_015512.5(DNAH1):c.1960C>T (p.Arg654Trp)

Gene: DNAH1 (dynein axonemal heavy chain 1; plus strand). Cytogenetic location: 3p21.1.
Variant type: single nucleotide variant.
Coding change: c.1960C>T on transcript NM_015512.5 (MANE Select); coding-DNA position 1960, C replaced by T.
Protein change: p.Arg654Trp; replaces arginine 654 with tryptophan.
Molecular consequence: missense variant.
Genome position (GRCh38, 1-based): chr3:52,347,828, C>T. VCF-style: chr3-52347828-C-T. GRCh37 (hg19) VCF-style: chr3-52381844-C-T.
Other names: short protein forms R654W.
Identifiers: ClinVar variation 478420 (VCV000478420.1), dbSNP rs755225053, ClinGen allele CA2433112.